The following is an entry in ClinVar:

ClinVar aggregate classification (germline): Uncertain significance (1 of 4 stars; one submission).

Conditions:
Amyotrophic lateral sclerosis type 1 (ALS1). Also called: AMYOTROPHIC LATERAL SCLEROSIS 1, FAMILIAL. Identifiers: Orphanet 803, MedGen C1862939, MONDO:0007103, OMIM 105400.
Neuronopathy, distal hereditary motor, type 7B. Also called: Distal Hereditary Motor Neuronopathy Type 7B (dHMN7B); HMN VIIB; LOWER MOTOR NEURON DISEASE, DYNACTIN TYPE; NEURONOPATHY, DISTAL HEREDITARY MOTOR, AUTOSOMAL DOMINANT 14; NEURONOPATHY, DISTAL HEREDITARY MOTOR, HARDING TYPE VIIB; NEUROPATHY, DISTAL HEREDITARY MOTOR, HARDING TYPE VIIB. Identifiers: Orphanet 139589, MedGen C1843315, MONDO:0011879, OMIM 607641.
Perry syndrome. Also called: PARKINSONISM WITH ALVEOLAR HYPOVENTILATION AND MENTAL DEPRESSION. Identifiers: Orphanet 178509, MedGen C1868594, MONDO:0008201, OMIM 168605.

Submission:

Labcorp Genetics (formerly Invitae), Labcorp
Classification: Uncertain significance for Amyotrophic lateral sclerosis type 1; Neuronopathy, distal hereditary motor, type 7B; Perry syndrome. Last evaluated: 2023-12-28. Review status: criteria provided, single submitter. Criteria: Invitae Variant Classification Sherloc (09022015). Collection method: clinical testing. Allele origin: germline.
Comment: This sequence change replaces lysine, which is basic and polar, with threonine, which is neutral and polar, at codon 722 of the DCTN1 protein (p.Lys722Thr). This variant is not present in population databases (gnomAD no frequency). This variant has not been reported in the literature in individuals affected with DCTN1-related conditions. Advanced modeling of protein sequence and biophysical properties (such as structural, functional, and spatial information, amino acid conservation, physicochemical variation, residue mobility, and thermodynamic stability) performed at Invitae indicates that this missense variant is not expected to disrupt DCTN1 protein function with a negative predictive value of 80%. In summary, the available evidence is currently insufficient to determine the role of this variant in disease. Therefore, it has been classified as a Variant of Uncertain Significance.

NM_004082.5(DCTN1):c.2165A>C (p.Lys722Thr)

Gene: DCTN1 (dynactin subunit 1; minus strand). Cytogenetic location: 2p13.1.
Variant type: single nucleotide variant.
Coding change: c.2165A>C on transcript NM_004082.5 (MANE Select); coding-DNA position 2165, A replaced by C.
Protein change: p.Lys722Thr; replaces lysine 722 with threonine.
Molecular consequence: missense variant. On other transcripts: non-coding transcript variant (1).
Genome position (GRCh38, 1-based): chr2:74,367,715, T>G on the plus strand (A>C on the coding strand, the complement: DCTN1 is on the minus strand). VCF-style: chr2-74367715-T-G. GRCh37 (hg19) VCF-style: chr2-74594842-T-G.
Other names: c.2105A>C, p.Lys702Thr (NM_001135040.3); c.2054A>C, p.Lys685Thr (NM_001190836.2); c.2144A>C, p.Lys715Thr (NM_001190837.2); c.2114A>C, p.Lys705Thr (NM_001378991.1); c.2096A>C, p.Lys699Thr (NM_001378992.1); c.1763A>C, p.Lys588Thr (NM_023019.4, NM_001135041.3); short protein forms K715T, K588T, K699T, K685T, K702T, K705T, K722T.
Identifiers: ClinVar variation 2921758 (VCV002921758.3), dbSNP rs1674527142, ClinGen allele CA347350516.
Genomic context (GRCh38, chr2:74,367,715, plus strand): 5'-TTCCCTGCCTCCTGCCCCAAGCCCAAATTCTTGCCCCACACCTGATAGTACTTGATGGCC[T>G]TGGTGAGAGGCTCCACATTGACAGTCTCATCCAGCTGATCCTTGTGCAGCAGTTCAATGA-3'
Protein context (NP_004073.2, residues 712-732): DETVNVEPLT[Lys722Thr]AIKYYQHLYS